The following is an entry in ClinVar:

ClinVar aggregate classification (germline): Benign. Review status: criteria provided, single submitter (1 of 4 stars). 2 submissions from 2 submitters: Benign (1). 1 of the submissions does not count toward it. Last evaluated 2025-07-30.

Conditions:
KRIT1-related disorder. Also called: KRIT1-related condition; KRIT1-related disorders.
Cerebral cavernous malformation (CCM). Also called: Cavernous Hemangioma of Brain; Cerebral cavernous hemangioma (type); CAVERNOUS ANGIOMA, FAMILIAL; CAVERNOUS ANGIOMATOUS MALFORMATIONS; CEREBRAL CAPILLARY MALFORMATIONS; Cerebral cavernous malformations. Identifiers: Orphanet 221061, MedGen C2919945, MONDO:0000820, OMIM 116860, HP:0033522.

Allele frequency attached by ClinVar (database versions not stated): gnomAD exomes 0.00007; gnomAD 0.00045; TOPMed 0.00052; 1000 Genomes Project 0.00120; 1000 Genomes Project 30x 0.00156.

Submissions (2):

Labcorp Genetics (formerly Invitae), Labcorp
Classification: Benign for Cerebral cavernous malformation. Last evaluated: 2025-07-30. Review status: criteria provided, single submitter. Criteria: Invitae Variant Classification Sherloc (09022015). Collection method: clinical testing. Allele origin: germline.

PreventionGenetics, part of Exact Sciences
Classification: Likely benign for KRIT1-related condition. Last evaluated: 2019-05-01. Review status: no assertion criteria provided. Collection method: clinical testing. Allele origin: germline. Not counted in ClinVar's aggregate classification.
Comment: This variant is classified as likely benign based on ACMG/AMP sequence variant interpretation guidelines (Richards et al. 2015 PMID: 25741868, with internal and published modifications).

NM_194454.3(KRIT1):c.262+133A>G

Gene: KRIT1 (KRIT1 ankyrin repeat containing; minus strand). Cytogenetic location: 7q21.2.
Variant type: single nucleotide variant.
Coding change: c.262+133A>G on transcript NM_194454.3 (MANE Select); 133 bases into the intron after coding-DNA position 262, A replaced by G.
Molecular consequence: intron variant.
Genome position (GRCh38, 1-based): chr7:92,240,860, T>C on the plus strand (A>G on the coding strand, the complement: KRIT1 is on the minus strand). VCF-style: chr7-92240860-T-C. GRCh37 (hg19) VCF-style: chr7-91870174-T-C.
Other names: c.262+133A>G (NM_001350672.1, NM_001350676.1, NM_001350673.1 and 29 more transcripts); c.-322+133A>G (NM_001350671.1).
Identifiers: ClinVar variation 3037387 (VCV003037387.4), dbSNP rs560215452, ClinGen allele CA161915205.